The following is an entry in ClinVar:

NM_004247.4(EFTUD2):c.1521G>A (p.Val507=)

Gene: EFTUD2 (elongation factor Tu GTP binding domain containing 2; minus strand). Cytogenetic location: 17q21.31.
Variant type: single nucleotide variant.
Coding change: c.1521G>A on transcript NM_004247.4 (MANE Select); coding-DNA position 1521, G replaced by A.
Protein change: p.Val507=; no amino-acid change (valine 507 retained).
Molecular consequence: synonymous variant.
Genome position (GRCh38, 1-based): chr17:44,862,799, C>T on the plus strand (G>A on the coding strand, the complement: EFTUD2 is on the minus strand). VCF-style: chr17-44862799-C-T. GRCh37 (hg19) VCF-style: chr17-42940167-C-T.
Other names: c.1416G>A, p.Val472= (NM_001142605.2); c.1521G>A, p.Val507= (NM_001258353.2); c.1491G>A, p.Val497= (NM_001258354.2).
Identifiers: ClinVar variation 1904204 (VCV001904204.10), dbSNP rs779010188, ClinGen allele CA8607756.

ClinVar aggregate classification (germline): Likely benign. Review status: criteria provided, multiple submitters, no conflicts (2 of 4 stars). 2 submissions from 2 submitters: Likely benign (2). Last evaluated 2025-12-01.

Allele frequency attached by ClinVar (database versions not stated): gnomAD exomes 0.00002; TOPMed 0.00002; gnomAD 0.00004; ExAC 0.00006.
gnomAD v4.1: 33 of 1,613,928 alleles (0.002%); highest among the groups gnomAD compares: Admixed American, 0.0083%; no homozygotes.

Submissions (2):

CeGaT Center for Human Genetics Tuebingen
Classification: Likely benign. Last evaluated: 2025-12-01. Review status: criteria provided, single submitter. Criteria: CeGaT Center For Human Genetics Tuebingen Variant Classification Criteria Version 2. Collection method: clinical testing. Allele origin: germline. Affected: yes. Observed: 1 variant allele.
Comment: EFTUD2: BP4, BP7

Labcorp Genetics (formerly Invitae), Labcorp
Classification: Likely benign. Last evaluated: 2025-07-27. Review status: criteria provided, single submitter. Criteria: Invitae Variant Classification Sherloc (09022015). Collection method: clinical testing. Allele origin: germline.